The following is an entry in ClinVar:

NM_001042702.5(PJVK):c.436C>T (p.Arg146Cys)

Gene: PJVK (pejvakin; plus strand). Cytogenetic location: 2q31.2.
Variant type: single nucleotide variant.
Coding change: c.436C>T on transcript NM_001042702.5 (MANE Select); coding-DNA position 436, C replaced by T.
Protein change: p.Arg146Cys; replaces arginine 146 with cysteine.
Molecular consequence: missense variant. On other transcripts: 5 prime UTR variant (2).
Genome position (GRCh38, 1-based): chr2:178,456,038, C>T. VCF-style: chr2-178456038-C-T. GRCh37 (hg19) VCF-style: chr2-179320765-C-T.
Other names: c.445C>T, p.Arg149Cys (NM_001353775.2); c.541C>T, p.Arg181Cys (NM_001353776.2); c.-42C>T (NM_001353777.1, NM_001353778.2); c.436C>T, p.Arg146Cys (NM_001369912.1); short protein forms R149C, R181C, R146C.
Identifiers: ClinVar variation 2137405 (VCV002137405.1), dbSNP rs547306426, ClinGen allele CA349399288.

ClinVar aggregate classification (germline): Uncertain significance (1 of 4 stars; one submission).

Allele frequency attached by ClinVar (database versions not stated): TOPMed 0.00001.
gnomAD v4.1: 21 of 1,613,968 alleles (0.0013%); highest among the groups gnomAD compares: South Asian, 0.0033%; no homozygotes.

Submission:

Labcorp Genetics (formerly Invitae), Labcorp
Classification: Uncertain significance. Last evaluated: 2022-05-12. Review status: criteria provided, single submitter. Criteria: Invitae Variant Classification Sherloc (09022015). Collection method: clinical testing. Allele origin: germline.
Comment: This sequence change replaces arginine, which is basic and polar, with cysteine, which is neutral and slightly polar, at codon 146 of the DFNB59 protein (p.Arg146Cys). This variant is present in population databases (no rsID available, gnomAD 0.002%). This variant has not been reported in the literature in individuals affected with DFNB59-related conditions. Algorithms developed to predict the effect of missense changes on protein structure and function are either unavailable or do not agree on the potential impact of this missense change (SIFT: "Deleterious"; PolyPhen-2: "Possibly Damaging"; Align-GVGD: "Class C0"). Algorithms developed to predict the effect of sequence changes on RNA splicing suggest that this variant may disrupt the consensus splice site. In summary, the available evidence is currently insufficient to determine the role of this variant in disease. Therefore, it has been classified as a Variant of Uncertain Significance.